The following is an entry in ClinVar:

ClinVar aggregate classification (germline): Pathogenic (1 of 4 stars; one submission).

Submission:

Labcorp Genetics (formerly Invitae), Labcorp
Classification: Pathogenic. Last evaluated: 2022-06-29. Review status: criteria provided, single submitter. Criteria: Invitae Variant Classification Sherloc (09022015). Collection method: clinical testing. Allele origin: germline.
Comment: This variant is a gross deletion of the genomic region encompassing exon(s) 2-21 of the MYO18B gene, which includes the initiator codon. This deletion extends beyond the assayed region for this gene and therefore may encompass additional genes. It is expected to result in an absent or disrupted protein product. Loss-of-function variants in MYO18B are known to be pathogenic (PMID: 25748484, 32184166, 32637634). This variant has not been reported in the literature in individuals affected with MYO18B-related conditions. For these reasons, this variant has been classified as Pathogenic.

Literature cited by the submitters: PubMed 25748484; PubMed 32184166; PubMed 32637634.

NC_000022.10:g.(?_26157060)_(26247546_?)del

Gene: MYO18B (myosin XVIIIB; plus strand). Cytogenetic location: 22q12.1.
Variant type: Deletion.
Identifiers: ClinVar variation 2427049 (VCV002427049.3).